The following is an entry in ClinVar:

NM_003119.4(SPG7):c.1450_1459del

Gene: SPG7 (SPG7 matrix AAA peptidase subunit, paraplegin; plus strand). Cytogenetic location: 16q24.3.
Variant type: Deletion.
Coding change: c.1450_1459del on transcript NM_003119.4 (MANE Select); coding-DNA positions 1450 to 1459, 10 bases deleted (GAGAGGCGGG; older notation c.1450_1459delGAGAGGCGGG).
Molecular consequence: splice acceptor variant.
Genome position (GRCh38, 1-based): chr16:89,546,658-89,546,667, GAGAGGCGGG deleted; deleting any 10 consecutive bases within chr16:89,546,657-89,546,667 gives the same sequence; the c. name uses the placement nearest the transcript's 3' end. VCF-style (leftmost placement, unchanged base first): chr16-89546656-AGGAGAGGCGG-A. GRCh37 (hg19) VCF-style: chr16-89613064-AGGAGAGGCGG-A.
Identifiers: ClinVar variation 3338090 (VCV003338090.1).

ClinVar aggregate classification (germline): Likely pathogenic (0 of 4 stars; one submission).

Conditions:
Hereditary spastic paraplegia 7 (SPG7). Also called: Spastic paraplegia 7; Hereditary spastic paraplegia Paraplegin type; SPASTIC PARAPLEGIA 7, AUTOSOMAL RECESSIVE, WITH OR WITHOUT CEREBELLAR ATAXIA; SPG7-related neurologic disorder; Autosomal recessive spastic paraplegia type 7. Identifiers: Orphanet 99013, MedGen C1846564, MONDO:0011803, OMIM 607259.

Submission:

Solve-RD Consortium
Classification: Likely pathogenic for Hereditary spastic paraplegia 7. Last evaluated: 2022-06-01. Review status: no assertion criteria provided. Collection method: provider interpretation. Allele origin: inherited. Affected: yes.
Comment: Variant confirmed as disease-causing by referring clinical team

Variant identified during reanalysis of unsolved cases by the Solve-RD project. The Solve-RD project has received funding from the European Union’s Horizon 2020 research and innovation programme under grant agreement No 779257.

Literature cited by the submitters: PubMed 39825153.